The following is an entry in ClinVar:

ClinVar aggregate classification (germline): Conflicting classifications of pathogenicity. Review status: criteria provided, conflicting classifications (1 of 4 stars). 9 submissions from 9 submitters: Uncertain significance (1); Benign (2); Likely benign (5). 1 of the submissions does not count toward it. Last evaluated 2026-10-07.

Conditions:
Tuberous sclerosis syndrome (TSC). Also called: Tuberous Sclerosis Complex; Tuberous sclerosis. Identifiers: Orphanet 805, MedGen C0041341, MONDO:0001734.
Tuberous sclerosis 2 (TSC2). Identifiers: Orphanet 805, MedGen C1860707, MONDO:0013199, OMIM 613254.
Hereditary cancer-predisposing syndrome. Also called: Neoplastic Syndromes, Hereditary; Tumor predisposition; Hereditary neoplastic syndrome; Hereditary Cancer Syndrome. Identifiers: Orphanet 140162, MedGen C0027672, MeSH D009386, MONDO:0015356.

Allele frequency attached by ClinVar (database versions not stated): gnomAD exomes 0.00002 and 0.00005; TOPMed 0.00003; ExAC 0.00001.
gnomAD v4.1: 77 of 1,609,134 alleles (0.0048%); highest among the groups gnomAD compares: Middle Eastern, 0.016%; no homozygotes.

Submissions (9):

Cambridge Genomics Laboratory, East Genomic Laboratory Hub, NHS Genomic Medicine Service
Classification: Uncertain significance for Tuberous sclerosis. Last evaluated: 2026-10-07. Review status: criteria provided, single submitter. Criteria: ACGS Best Practice Guidelines for Variant Classification in Rare Disease 2020. Collection method: clinical testing. Allele origin: germline. Affected: yes.
Comment: BS3

Labcorp Genetics (formerly Invitae), Labcorp
Classification: Benign for Tuberous sclerosis 2. Last evaluated: 2026-01-18. Review status: criteria provided, single submitter. Criteria: Invitae Variant Classification Sherloc (09022015). Collection method: clinical testing. Allele origin: germline.

Color Diagnostics, LLC DBA Color Health
Classification: Likely benign for Tuberous sclerosis syndrome. Last evaluated: 2022-08-16. Review status: criteria provided, single submitter. Criteria: ACMG Guidelines, 2015. Collection method: clinical testing. Allele origin: germline.

Genetic Services Laboratory, University of Chicago
Classification: Likely benign. Last evaluated: 2021-12-16. Review status: criteria provided, single submitter. Criteria: ACMG Guidelines, 2015. Collection method: clinical testing. Allele origin: germline. Affected: no.

Genome-Nilou Lab
Classification: Benign for Tuberous sclerosis 2. Last evaluated: 2021-11-07. Review status: criteria provided, single submitter. Criteria: ACMG Guidelines, 2015. Collection method: clinical testing. Allele origin: germline. Affected: no.

GeneDx
Classification: Likely benign. Last evaluated: 2020-05-15. Review status: criteria provided, single submitter. Criteria: GeneDx Variant Classification Process June 2021. Collection method: clinical testing. Allele origin: germline. Affected: yes.
Comment: This variant is associated with the following publications: (PMID: 18854862, 21520333)

Ambry Genetics
Classification: Likely benign for Hereditary cancer-predisposing syndrome. Last evaluated: 2018-05-08. Review status: criteria provided, single submitter. Criteria: Ambry Variant Classification Scheme 2023. Collection method: clinical testing. Allele origin: germline.

PreventionGenetics, part of Exact Sciences
Classification: Likely benign. Review status: criteria provided, single submitter. Criteria: ACMG Guidelines, 2015. Collection method: clinical testing. Allele origin: germline.

Tuberous sclerosis database (TSC2)
No classification provided. Condition: TSC. Review status: no classification provided. Criteria: Tuberous Sclerosis Database Assertion Criteria 2015. Collection method: curation. Allele origin: germline. Affected: yes. Not counted in ClinVar's aggregate classification.

Literature cited by the submitters: PubMed 18854862 (cited by Ambry Genetics); PubMed 21309039 (cited by Ambry Genetics).

NM_000548.5(TSC2):c.4298C>T (p.Ser1433Leu)

Gene: TSC2 (TSC complex subunit 2; plus strand). Cytogenetic location: 16p13.3.
Variant type: single nucleotide variant.
Coding change: c.4298C>T on transcript NM_000548.5 (MANE Select); coding-DNA position 4298, C replaced by T.
Protein change: p.Ser1433Leu; replaces serine 1433 with leucine.
Molecular consequence: missense variant.
Genome position (GRCh38, 1-based): chr16:2,084,520, C>T. VCF-style: chr16-2084520-C-T. GRCh37 (hg19) VCF-style: chr16-2134521-C-T.
Other names: p.S1433L:TCG>TTG; c.4097C>T, p.Ser1366Leu (NM_001077183.3); c.4229C>T, p.Ser1410Leu (NM_001114382.3); c.3989C>T, p.Ser1330Leu (NM_001318827.2); c.3953C>T, p.Ser1318Leu (NM_001318829.2); c.3566C>T, p.Ser1189Leu (NM_001318831.2); c.4130C>T, p.Ser1377Leu (NM_001318832.2); c.4100C>T, p.Ser1367Leu (NM_001363528.2); and 3 more; short protein forms S1433L, S1366L, S1367L, S1189L, S1318L, S1330L, S1390L, S1410L.
Identifiers: ClinVar variation 65193 (VCV000065193.25), dbSNP rs45517335, ClinGen allele CA020219.